The following is an entry in ClinVar:

ClinVar aggregate classification (germline): Uncertain significance (1 of 4 stars; one submission).

Allele frequency attached by ClinVar (database versions not stated): TOPMed below 0.00001; gnomAD 0.00001; gnomAD exomes 0.00001.
gnomAD v4.1: 6 of 1,613,824 alleles (0.00037%); highest among the groups gnomAD compares: Non-Finnish European, 0.00051%; no homozygotes.

Submission:

Labcorp Genetics (formerly Invitae), Labcorp
Classification: Uncertain significance. Last evaluated: 2024-10-21. Review status: criteria provided, single submitter. Criteria: Invitae Variant Classification Sherloc (09022015). Collection method: clinical testing. Allele origin: germline.
Comment: This sequence change replaces threonine, which is neutral and polar, with alanine, which is neutral and non-polar, at codon 520 of the MYO5B protein (p.Thr520Ala). This variant is not present in population databases (gnomAD no frequency). This variant has not been reported in the literature in individuals affected with MYO5B-related conditions. ClinVar contains an entry for this variant (Variation ID: 1986322). Invitae Evidence Modeling of protein sequence and biophysical properties (such as structural, functional, and spatial information, amino acid conservation, physicochemical variation, residue mobility, and thermodynamic stability) indicates that this missense variant is not expected to disrupt MYO5B protein function with a negative predictive value of 80%. In summary, the available evidence is currently insufficient to determine the role of this variant in disease. Therefore, it has been classified as a Variant of Uncertain Significance.

NM_001080467.3(MYO5B):c.1558A>G (p.Thr520Ala)

Gene: MYO5B (myosin VB; minus strand). Cytogenetic location: 18q21.1.
Variant type: single nucleotide variant.
Coding change: c.1558A>G on transcript NM_001080467.3 (MANE Select); coding-DNA position 1558, A replaced by G.
Protein change: p.Thr520Ala; replaces threonine 520 with alanine.
Molecular consequence: missense variant.
Genome position (GRCh38, 1-based): chr18:49,954,423, T>C on the plus strand (A>G on the coding strand, the complement: MYO5B is on the minus strand). VCF-style: chr18-49954423-T-C. GRCh37 (hg19) VCF-style: chr18-47480793-T-C.
Other names: short protein forms T520A.
Identifiers: ClinVar variation 1986322 (VCV001986322.4), dbSNP rs1207936021, ClinGen allele CA402429435.